The following is an entry in ClinVar:

ClinVar aggregate classification (germline): Uncertain significance (1 of 4 stars; one submission).

Conditions:
Peroxisome biogenesis disorder 2B (PBD2B). Identifiers: Orphanet 44, MedGen C3550234, MONDO:0008736, OMIM 202370.

Allele frequency attached by ClinVar (database versions not stated): gnomAD exomes below 0.00001; TOPMed below 0.00001.

Submission:

Labcorp Genetics (formerly Invitae), Labcorp
Classification: Uncertain significance for Peroxisome biogenesis disorder 2B. Last evaluated: 2022-02-19. Review status: criteria provided, single submitter. Criteria: Invitae Variant Classification Sherloc (09022015). Collection method: clinical testing. Allele origin: germline.
Comment: This sequence change replaces proline, which is neutral and non-polar, with serine, which is neutral and polar, at codon 400 of the PEX5 protein (p.Pro400Ser). In summary, the available evidence is currently insufficient to determine the role of this variant in disease. Therefore, it has been classified as a Variant of Uncertain Significance. Algorithms developed to predict the effect of missense changes on protein structure and function are either unavailable or do not agree on the potential impact of this missense change (SIFT: "Tolerated"; PolyPhen-2: "Probably Damaging"; Align-GVGD: "Class C0"). This variant has not been reported in the literature in individuals affected with PEX5-related conditions. This variant is not present in population databases (gnomAD no frequency).

NM_001351132.2(PEX5):c.1198C>T (p.Pro400Ser)

Gene: PEX5 (peroxisomal biogenesis factor 5; plus strand). Cytogenetic location: 12p13.31.
Variant type: single nucleotide variant.
Coding change: c.1198C>T on transcript NM_001351132.2 (MANE Select); coding-DNA position 1198, C replaced by T.
Protein change: p.Pro400Ser; replaces proline 400 with serine.
Molecular consequence: missense variant.
Genome position (GRCh38, 1-based): chr12:7,208,473, C>T. VCF-style: chr12-7208473-C-T. GRCh37 (hg19) VCF-style: chr12-7361069-C-T.
Other names: c.1174C>T, p.Pro392Ser (NM_000319.5); c.1243C>T, p.Pro415Ser (NM_001131023.2); c.1087C>T, p.Pro363Ser (NM_001131024.2, NM_001351124.3, NM_001351126.2 and 7 more transcripts); c.1198C>T, p.Pro400Ser (NM_001131025.2, NM_001131026.2, NM_001300789.3 and 4 more transcripts); c.1132C>T, p.Pro378Ser (NM_001351135.3, NM_001351138.2); c.1189C>T, p.Pro397Ser (NM_001351136.2); c.1063C>T, p.Pro355Ser (NM_001351139.2, NM_001351140.2, NM_001374649.2); short protein forms P355S, P363S, P378S, P400S, P392S, P397S, P415S.
Identifiers: ClinVar variation 1944672 (VCV001944672.3), dbSNP rs966958514, ClinGen allele CA232475717.